The following is an entry in ClinVar:

NM_001943.3(DSG2):c.-79C>G

Genes: DSG2 (desmoglein 2; plus strand), LOC130062340 (ATAC-STARR-seq lymphoblastoid silent region 9384; plus strand). Cytogenetic location: 18q12.1.
Variant type: single nucleotide variant.
Coding change: c.-79C>G on transcript NM_001943.3; 79 bases upstream of the start codon, C replaced by G.
Genome position (GRCh38, 1-based): chr18:31,498,173, C>G. VCF-style: chr18-31498173-C-G. GRCh37 (hg19) VCF-style: chr18-29078136-C-G.
Identifiers: ClinVar variation 326466 (VCV000326466.37), dbSNP rs552915392, ClinGen allele CA10647454.
Genomic context (GRCh38, chr18:31,498,173, plus strand): 5'-GGGAAGACAGCCCTCGGGGCGGGGAGGGAGAGGGTGGCCGGGCCGGGGGGAGGCCGGGGC[C>G]AGGGAGGAGCCGAGTGCGCGCTCGGGGCAGGCGGCGGCGCGGAGCGGTGCGGCGGCGGGA-3'

ClinVar aggregate classification (germline): Conflicting classifications of pathogenicity. Review status: criteria provided, conflicting classifications (1 of 4 stars). 3 submissions from 3 submitters: Uncertain significance (1); Benign (2). Last evaluated 2022-12-01.

Conditions:
Arrhythmogenic right ventricular dysplasia 10. Also called: Arrhythmogenic Right Ventricular Dysplasia/Cardiomyopathy10; Arrhythmogenic right ventricular dysplasia/cardiomyopathy, type 10; ARRHYTHMOGENIC RIGHT VENTRICULAR DYSPLASIA, FAMILIAL, 10. Identifiers: MedGen C1857777, MONDO:0012434, OMIM 610193.

Allele frequency attached by ClinVar (database versions not stated): 1000 Genomes Project 30x 0.00047; 1000 Genomes Project 0.00040; TOPMed 0.00065; gnomAD 0.00173 and 0.00179.

Submissions (3):

CeGaT Center for Human Genetics Tuebingen
Classification: Benign. Last evaluated: 2022-12-01. Review status: criteria provided, single submitter. Criteria: CeGaT Center For Human Genetics Tuebingen Variant Classification Criteria Version 2. Collection method: clinical testing. Allele origin: germline. Affected: yes. Observed: 5 variant alleles.
Comment: DSG2: BS1, BS2

Illumina Laboratory Services, Illumina
Classification: Uncertain significance for Arrhythmogenic right ventricular dysplasia 10. Last evaluated: 2018-01-12. Review status: criteria provided, single submitter. Criteria: ICSL Variant Classification Criteria 13 December 2019. Collection method: clinical testing. Allele origin: germline.

GeneDx
Classification: Benign. Last evaluated: 2015-03-03. Review status: criteria provided, single submitter. Criteria: GeneDx Variant Classification Process June 2021. Collection method: clinical testing. Allele origin: germline. Affected: yes.